The following is an entry in ClinVar:

ClinVar aggregate classification (germline): Uncertain significance (1 of 4 stars; one submission).

gnomAD v4.1: 8 of 1,613,320 alleles (0.0005%); highest among the groups gnomAD compares: Non-Finnish European, 0.00059%; no homozygotes.

Submission:

Ambry Genetics
Classification: Uncertain significance. Last evaluated: 2024-12-10. Review status: criteria provided, single submitter. Criteria: Ambry Variant Classification Scheme 2023. Collection method: clinical testing. Allele origin: germline.
Comment: The p.T2046A variant (also known as c.6136A>G), located in coding exon 25 of the WNK2 gene, results from an A to G substitution at nucleotide position 6136. The threonine at codon 2046 is replaced by alanine, an amino acid with similar properties. This amino acid position is conserved. In addition, the in silico prediction for this alteration is inconclusive. Based on the available evidence, the clinical significance of this variant remains unclear.

NM_006648.4(WNK2):c.6136A>G (p.Thr2046Ala)

Gene: WNK2 (WNK lysine deficient protein kinase 2; plus strand). Cytogenetic location: 9q22.31.
Variant type: single nucleotide variant.
Coding change: c.6136A>G on transcript NM_006648.4 (MANE Select); coding-DNA position 6136, A replaced by G.
Protein change: p.Thr2046Ala; replaces threonine 2046 with alanine.
Molecular consequence: missense variant.
Genome position (GRCh38, 1-based): chr9:93,300,071, A>G. VCF-style: chr9-93300071-A-G. GRCh37 (hg19) VCF-style: chr9-96062353-A-G.
Other names: c.6247A>G, p.Thr2083Ala (NM_001282394.3); short protein forms T2046A, T2083A.
Identifiers: ClinVar variation 3470710 (VCV003470710.1).
Genomic context (GRCh38, chr9:93,300,071, plus strand): 5'-GAGTGTCTCTTTGTTTTCTTCCCTTTATATTCATTTGCAGGCTGGACGGTTTACCACCCA[A>G]CGTCTGAGAGAGTGACCTATAAGTCTAGTAGCAAACCTCGTGCTCGATTCCTCAGTGGAC-3'
Protein context (NP_006639.3, residues 2036-2056): RGQGWTVYHP[Thr2046Ala]SERVTYKSSS